The following is an entry in ClinVar:

NM_007294.4(BRCA1):c.4124A>G (p.Glu1375Gly)

Gene: BRCA1 (BRCA1 DNA repair associated; minus strand). Cytogenetic location: 17q21.31.
Variant type: single nucleotide variant.
Coding change: c.4124A>G on transcript NM_007294.4 (MANE Select); coding-DNA position 4124, A replaced by G.
Protein change: p.Glu1375Gly; replaces glutamic acid 1375 with glycine.
Molecular consequence: missense variant. On other transcripts: non-coding transcript variant (1).
Genome position (GRCh38, 1-based): chr17:43,091,005, T>C on the plus strand (A>G on the coding strand, the complement: BRCA1 is on the minus strand). VCF-style: chr17-43091005-T-C. GRCh37 (hg19) VCF-style: chr17-41243022-T-C.
Other names: c.3860A>G, p.Glu1287Gly (NM_001407920.1, NM_001407921.1, NM_001407922.1 and 9 more transcripts); c.605A>G, p.Glu202Gly (NM_001408492.1, NM_001408513.1, NM_001408514.1 and 9 more transcripts); c.602A>G, p.Glu201Gly (NM_001408493.1, NM_001408490.1, NM_001408491.1); c.575A>G, p.Glu192Gly (NM_001408494.1); c.572A>G, p.Glu191Gly (NM_001408495.1); c.551A>G, p.Glu184Gly (NM_001408496.1, NM_001408497.1, NM_001408498.1 and 3 more transcripts); c.3857A>G, p.Glu1286Gly (NM_001407930.1, NM_001407931.1, NM_001407932.1 and 2 more transcripts); c.482A>G, p.Glu161Gly (NM_001408502.1); and 41 more; short protein forms E1328G, E1375G, E272G, E1247G, E1263G, E1287G, E1305G, E1308G.
Identifiers: ClinVar variation 1432384 (VCV001432384.7), dbSNP rs2154256106, ClinGen allele CA10593476.

ClinVar aggregate classification (germline): Uncertain significance (1 of 4 stars; one submission).

Conditions:
Hereditary breast ovarian cancer syndrome. Also called: Hereditary breast and ovarian cancer syndrome (HBOC); Breast and ovarian cancer; BRCA1- and BRCA2-Associated Hereditary Breast and Ovarian Cancer; Hereditary breast and/or ovarian cancer syndrome; Hereditary breast and ovarian cancer; Hereditary breast and ovarian cancer syndrome. Identifiers: Orphanet 145, MedGen C0677776, MeSH D061325, MONDO:0003582. Disease mechanism: loss of function.

Submission:

Labcorp Genetics (formerly Invitae), Labcorp
Classification: Uncertain significance for Hereditary breast ovarian cancer syndrome. Last evaluated: 2023-02-21. Review status: criteria provided, single submitter. Criteria: Invitae Variant Classification Sherloc (09022015). Collection method: clinical testing. Allele origin: germline.
Comment: In summary, the available evidence is currently insufficient to determine the role of this variant in disease. Therefore, it has been classified as a Variant of Uncertain Significance. Advanced modeling of protein sequence and biophysical properties (such as structural, functional, and spatial information, amino acid conservation, physicochemical variation, residue mobility, and thermodynamic stability) performed at Invitae indicates that this missense variant is not expected to disrupt BRCA1 protein function. ClinVar contains an entry for this variant (Variation ID: 1432384). This variant has not been reported in the literature in individuals affected with BRCA1-related conditions. This variant is not present in population databases (gnomAD no frequency). This sequence change replaces glutamic acid, which is acidic and polar, with glycine, which is neutral and non-polar, at codon 1375 of the BRCA1 protein (p.Glu1375Gly).